The following is an entry in ClinVar:

NM_015205.3(ATP11A):c.2881C>T (p.Arg961Cys)

Gene: ATP11A (ATPase phospholipid transporting 11A; plus strand). Cytogenetic location: 13q34.
Variant type: single nucleotide variant.
Coding change: c.2881C>T on transcript NM_015205.3 (MANE Select); coding-DNA position 2881, C replaced by T.
Protein change: p.Arg961Cys; replaces arginine 961 with cysteine.
Molecular consequence: missense variant.
Genome position (GRCh38, 1-based): chr13:112,862,465, C>T. VCF-style: chr13-112862465-C-T. GRCh37 (hg19) VCF-style: chr13-113516779-C-T.
Other names: c.2881C>T, p.Arg961Cys (NM_001405661.1, NM_001405662.1, NM_001405663.1 and 1 more transcripts); short protein forms R961C.
Identifiers: ClinVar variation 3804184 (VCV003804184.2).

ClinVar aggregate classification (germline): Uncertain significance. Review status: criteria provided, multiple submitters, no conflicts (2 of 4 stars). 2 submissions from 2 submitters: Uncertain significance (2). Last evaluated 2026-06-06.

Conditions:
ATP11A-related disorder. Also called: ATP11A-related condition.
Inborn genetic diseases. Identifiers: MedGen C0950123, MeSH D030342.

gnomAD v4.1: 21 of 1,613,916 alleles (0.0013%); highest among the groups gnomAD compares: Middle Eastern, 0.017%; no homozygotes.

Submissions (2):

PreventionGenetics, part of Exact Sciences
Classification: Uncertain significance for ATP11A-related condition. Last evaluated: 2026-06-06. Review status: criteria provided, single submitter. Criteria: ACMG Guidelines, 2015. Collection method: clinical testing. Allele origin: germline.
Comment: The ATP11A c.2881C>T variant is predicted to result in the amino acid substitution p.Arg961Cys. To our knowledge, this variant has not been reported in the literature. This variant is reported in 0.0054% of alleles in individuals of East Asian descent in gnomAD. At this time, the clinical significance of this variant is uncertain due to the absence of conclusive functional and genetic evidence.

Ambry Genetics
Classification: Uncertain significance for Inborn genetic diseases. Last evaluated: 2025-03-08. Review status: criteria provided, single submitter. Criteria: Ambry Variant Classification Scheme 2023. Collection method: clinical testing. Allele origin: germline.